The following is an entry in ClinVar:

ClinVar aggregate classification (germline): Uncertain significance. Review status: criteria provided, multiple submitters, no conflicts (2 of 4 stars). 2 submissions from 2 submitters: Uncertain significance (2). Last evaluated 2025-08-13.

Conditions:
Immunodeficiency 39 (IMD39). Identifiers: Orphanet 574918, MedGen C4225358, MONDO:0014597, OMIM 616345.

Allele frequency attached by ClinVar (database versions not stated): TOPMed 0.00002; gnomAD 0.00003; 1000 Genomes Project 30x 0.00016; 1000 Genomes Project 0.00020.
gnomAD v4.1: 57 of 1,578,504 alleles (0.0036%); highest among the groups gnomAD compares: Non-Finnish European, 0.0048%; no homozygotes.

Submissions (2):

Ambry Genetics
Classification: Uncertain significance. Last evaluated: 2025-08-13. Review status: criteria provided, single submitter. Criteria: Ambry Variant Classification Scheme 2023. Collection method: clinical testing. Allele origin: germline.

Labcorp Genetics (formerly Invitae), Labcorp
Classification: Uncertain significance for Immunodeficiency 39. Last evaluated: 2025-07-27. Review status: criteria provided, single submitter. Criteria: Invitae Variant Classification Sherloc (09022015). Collection method: clinical testing. Allele origin: germline.
Comment: This sequence change replaces valine, which is neutral and non-polar, with methionine, which is neutral and non-polar, at codon 119 of the IRF7 protein (p.Val119Met). The frequency data for this variant in the population databases is considered unreliable, as metrics indicate poor data quality at this position in the gnomAD database. This variant has not been reported in the literature in individuals affected with IRF7-related conditions. ClinVar contains an entry for this variant (Variation ID: 964776). Invitae Evidence Modeling of protein sequence and biophysical properties (such as structural, functional, and spatial information, amino acid conservation, physicochemical variation, residue mobility, and thermodynamic stability) indicates that this missense variant is not expected to disrupt IRF7 protein function with a negative predictive value of 80%. In summary, the available evidence is currently insufficient to determine the role of this variant in disease. Therefore, it has been classified as a Variant of Uncertain Significance.

NM_001572.5(IRF7):c.316G>A (p.Val106Met)

Gene: IRF7 (interferon regulatory factor 7; minus strand). Cytogenetic location: 11p15.5.
Variant type: single nucleotide variant.
Coding change: c.316G>A on transcript NM_001572.5 (MANE Select); coding-DNA position 316, G replaced by A.
Protein change: p.Val106Met; replaces valine 106 with methionine.
Molecular consequence: missense variant.
Genome position (GRCh38, 1-based): chr11:614,875, C>T on the plus strand (G>A on the coding strand, the complement: IRF7 is on the minus strand). VCF-style: chr11-614875-C-T. GRCh37 (hg19) VCF-style: chr11-614875-C-T.
Other names: c.316G>A, p.Val106Met (NM_004029.4); c.355G>A, p.Val119Met (NM_004031.4); short protein forms V106M, V119M.
Identifiers: ClinVar variation 964776 (VCV000964776.9), dbSNP rs576761308, ClinGen allele CA5783999.
Genomic context (GRCh38, chr11:614,875, plus strand): 5'-GGCTGAGCGCGTACACCTTGTGCGGGTCGGCCGGGTCCCCCGAGTTATCCCGCAGCATCA[C>T]GAAGCGACGCGTGCTGCGCAGTGCGCAGCGGAAGTTGGTTTTCCAGCCGGCGCGCTCCGC-3'
Protein context (NP_001563.2, residues 96-116): RCALRSTRRF[Val106Met]MLRDNSGDPA